The following is an entry in ClinVar:

ClinVar aggregate classification (germline): Uncertain significance. Review status: criteria provided, multiple submitters, no conflicts (2 of 4 stars). 2 submissions from 2 submitters: Uncertain significance (2). Last evaluated 2024-01-22.

Conditions:
Inborn genetic diseases. Identifiers: MedGen C0950123, MeSH D030342.

Allele frequency attached by ClinVar (database versions not stated): gnomAD exomes below 0.00001; TOPMed below 0.00001; ExAC 0.00001; gnomAD 0.00001; 1000 Genomes Project 0.00020; 1000 Genomes Project 30x 0.00031.
gnomAD v4.1: 9 of 1,613,794 alleles (0.00056%); highest among the groups gnomAD compares: South Asian, 0.0022%; no homozygotes.

Submissions (2):

Labcorp Genetics (formerly Invitae), Labcorp
Classification: Uncertain significance. Last evaluated: 2024-01-22. Review status: criteria provided, single submitter. Criteria: Invitae Variant Classification Sherloc (09022015). Collection method: clinical testing. Allele origin: germline.
Comment: This sequence change replaces aspartic acid, which is acidic and polar, with asparagine, which is neutral and polar, at codon 765 of the PNPT1 protein (p.Asp765Asn). This variant is present in population databases (rs146977004, gnomAD 0.0009%). This variant has not been reported in the literature in individuals affected with PNPT1-related conditions. ClinVar contains an entry for this variant (Variation ID: 1409136). Advanced modeling of protein sequence and biophysical properties (such as structural, functional, and spatial information, amino acid conservation, physicochemical variation, residue mobility, and thermodynamic stability) performed at Invitae indicates that this missense variant is not expected to disrupt PNPT1 protein function with a negative predictive value of 95%. In summary, the available evidence is currently insufficient to determine the role of this variant in disease. Therefore, it has been classified as a Variant of Uncertain Significance.

Ambry Genetics
Classification: Uncertain significance for Inborn genetic diseases. Last evaluated: 2023-01-26. Review status: criteria provided, single submitter. Criteria: Ambry Variant Classification Scheme 2023. Collection method: clinical testing. Allele origin: germline.

NM_033109.5(PNPT1):c.2293G>A (p.Asp765Asn)

Gene: PNPT1 (polyribonucleotide nucleotidyltransferase 1; minus strand). Cytogenetic location: 2p16.1.
Variant type: single nucleotide variant.
Coding change: c.2293G>A on transcript NM_033109.5 (MANE Select); coding-DNA position 2293, G replaced by A.
Protein change: p.Asp765Asn; replaces aspartic acid 765 with asparagine.
Molecular consequence: missense variant.
Genome position (GRCh38, 1-based): chr2:55,636,296, C>T on the plus strand (G>A on the coding strand, the complement: PNPT1 is on the minus strand). VCF-style: chr2-55636296-C-T. GRCh37 (hg19) VCF-style: chr2-55863431-C-T.
Other names: c.2293G>A (NM_033109.3); short protein forms D765N.
Identifiers: ClinVar variation 1409136 (VCV001409136.5), dbSNP rs146977004, ClinGen allele CA1667725.